The following is an entry in ClinVar:

ClinVar aggregate classification (germline): Likely benign (1 of 4 stars; one submission).

Submission:

CeGaT Center for Human Genetics Tuebingen
Classification: Likely benign. Last evaluated: 2024-02-01. Review status: criteria provided, single submitter. Criteria: CeGaT Center For Human Genetics Tuebingen Variant Classification Criteria Version 2. Collection method: clinical testing. Allele origin: germline. Affected: yes. Observed: 1 variant allele.
Comment: INPP4A: PM4, BS2

NM_001134225.2(INPP4A):c.1635_1649del (p.Gln545_Leu549del)

Gene: INPP4A (inositol polyphosphate-4-phosphatase type I A; plus strand). Cytogenetic location: 2q11.2.
Variant type: Deletion.
Coding change: c.1635_1649del on transcript NM_001134225.2 (MANE Select); coding-DNA positions 1635 to 1649, 15 bases deleted (GAAGGAGCGGCTGCA).
Protein change: p.Gln545_Leu549del.
Molecular consequence: inframe deletion.
Genome position (GRCh38, 1-based): chr2:98,555,621-98,555,635, GAAGGAGCGGCTGCA deleted; deleting any 15 consecutive bases within chr2:98,555,615-98,555,635 gives the same sequence; the c. name uses the placement nearest the transcript's 3' end. VCF-style (leftmost placement, unchanged base first): chr2-98555614-TGCTGCAGAAGGAGCG-T. GRCh37 (hg19) VCF-style: chr2-99172077-TGCTGCAGAAGGAGCG-T.
Other names: c.1650_1664del, p.Gln550_Leu554del (NM_001134224.2, NM_001351427.2, NM_001566.2 and 1 more transcripts); c.1653_1667del, p.Gln551_Leu555del (NM_001351424.1, NM_001351425.2, NM_001351426.2); c.1635_1649del, p.Gln545_Leu549del (NM_001351428.2, NM_001351429.2).
Identifiers: ClinVar variation 3024704 (VCV003024704.22), dbSNP rs372335775, ClinGen allele CA1794630.